The following is an entry in ClinVar:

ClinVar aggregate classification (germline): Uncertain significance (1 of 4 stars; one submission).

Conditions:
Progressive sclerosing poliodystrophy (MTDPS4A). Also called: ALPERS PROGRESSIVE INFANTILE POLIODYSTROPHY; NEURONAL DEGENERATION OF CHILDHOOD WITH LIVER DISEASE, PROGRESSIVE; Alpers Syndrome; ALPERS DIFFUSE DEGENERATION OF CEREBRAL GRAY MATTER WITH HEPATIC CIRRHOSIS; Alpers-Huttenlocher Syndrome; Mitochondrial DNA depletion syndrome 4A (Alpers type). Identifiers: Orphanet 726, MedGen C0205710, MONDO:0008758, OMIM 203700.

gnomAD v4.1: 2 of 1,611,384 alleles (0.00012%); highest among the groups gnomAD compares: South Asian, 0.0022%; no homozygotes.

Submission:

Labcorp Genetics (formerly Invitae), Labcorp
Classification: Uncertain significance for Progressive sclerosing poliodystrophy. Last evaluated: 2024-07-03. Review status: criteria provided, single submitter. Criteria: Invitae Variant Classification Sherloc (09022015). Collection method: clinical testing. Allele origin: germline.
Comment: This sequence change replaces serine, which is neutral and polar, with cysteine, which is neutral and slightly polar, at codon 287 of the POLG protein (p.Ser287Cys). This variant is not present in population databases (gnomAD no frequency). This variant has not been reported in the literature in individuals affected with POLG-related conditions. Advanced modeling of protein sequence and biophysical properties (such as structural, functional, and spatial information, amino acid conservation, physicochemical variation, residue mobility, and thermodynamic stability) performed at Invitae indicates that this missense variant is expected to disrupt POLG protein function with a positive predictive value of 80%. In summary, the available evidence is currently insufficient to determine the role of this variant in disease. Therefore, it has been classified as a Variant of Uncertain Significance.

NM_002693.3(POLG):c.860C>G (p.Ser287Cys)

Gene: POLG (DNA polymerase gamma, catalytic subunit; minus strand). Cytogenetic location: 15q26.1.
Variant type: single nucleotide variant.
Coding change: c.860C>G on transcript NM_002693.3 (MANE Select); coding-DNA position 860, C replaced by G.
Protein change: p.Ser287Cys; replaces serine 287 with cysteine.
Molecular consequence: missense variant.
Genome position (GRCh38, 1-based): chr15:89,329,106, G>C on the plus strand (C>G on the coding strand, the complement: POLG is on the minus strand). VCF-style: chr15-89329106-G-C. GRCh37 (hg19) VCF-style: chr15-89872337-G-C.
Other names: c.860C>G, p.Ser287Cys (NM_001126131.2); short protein forms S287C.
Identifiers: ClinVar variation 3620438 (VCV003620438.2).